The following is an entry in ClinVar:

NM_001370259.2(MEN1):c.1270G>T (p.Glu424Ter)

Gene: MEN1 (menin 1; minus strand). Cytogenetic location: 11q13.1.
Variant type: single nucleotide variant.
Coding change: c.1270G>T on transcript NM_001370259.2 (MANE Select); coding-DNA position 1270, G replaced by T.
Protein change: p.Glu424Ter; replaces glutamic acid 424 with a stop codon.
Molecular consequence: nonsense.
Genome position (GRCh38, 1-based): chr11:64,805,114, C>A on the plus strand (G>T on the coding strand, the complement: MEN1 is on the minus strand). VCF-style: chr11-64805114-C-A. GRCh37 (hg19) VCF-style: chr11-64572586-C-A.
Other names: c.1285G>T, p.Glu429Ter (NM_000244.4, NM_130800.3, NM_130801.3 and 3 more transcripts); c.1396G>T, p.Glu466Ter (NM_001370251.2); c.1270G>T, p.Glu424Ter (NM_001370260.2, NM_001370261.2, NM_130799.3); c.1165G>T, p.Glu389Ter (NM_001370262.2, NM_001370263.2); short protein forms E424*, E429*, E466*, E389*.
Identifiers: ClinVar variation 428086 (VCV000428086.4), dbSNP rs1114167477, ClinGen allele CA381180398.

ClinVar aggregate classification (germline): Pathogenic (1 of 4 stars; one submission).

Conditions:
Hereditary cancer-predisposing syndrome. Also called: Hereditary Cancer Syndrome; Neoplastic Syndromes, Hereditary; Hereditary neoplastic syndrome; Tumor predisposition. Identifiers: Orphanet 140162, MedGen C0027672, MeSH D009386, MONDO:0015356.

Submission:

Ambry Genetics
Classification: Pathogenic for Hereditary cancer-predisposing syndrome. Last evaluated: 2013-11-07. Review status: criteria provided, single submitter. Criteria: Ambry Autosomal Dominant and X-Linked criteria (10/2015). Collection method: clinical testing. Allele origin: germline. Observed: 1 variant allele.
Comment: Ã¢â‚¬â€¹The p.E424X variant (also known as c.1270G>T) is located in coding exon 8 of the MEN1 gene. This alteration results from a G to T substitution at nucleotide position 1270. This changes the amino acid from a glutamate to a stop codon within coding exon 8. Since premature stop codons are typically deleterious in nature, this alteration is interpreted as a disease-causing mutation (ACMG Recommendations for Standards for Interpretation and Reporting of Sequence Variations. Revision 2007. Genet Med. 2008;10:294).